The following is an entry in ClinVar:

ClinVar aggregate classification (germline): Uncertain significance (1 of 4 stars; one submission).

gnomAD v4.1: 5 of 1,614,064 alleles (0.00031%); highest among the groups gnomAD compares: African/African-American, 0.0053%; no homozygotes.

Submission:

GeneDx
Classification: Uncertain significance. Last evaluated: 2023-06-15. Review status: criteria provided, single submitter. Criteria: GeneDx Variant Classification Process June 2021. Collection method: clinical testing. Allele origin: germline. Affected: yes.
Comment: Not observed at significant frequency in large population cohorts (gnomAD); In silico analysis supports that this missense variant does not alter protein structure/function; Has not been previously published as pathogenic or benign to our knowledge

NM_001127178.3(PIGG):c.1580C>A (p.Thr527Asn)

Gene: PIGG (phosphatidylinositol glycan anchor biosynthesis class G (EMM blood group); plus strand). Cytogenetic location: 4p16.3.
Variant type: single nucleotide variant.
Coding change: c.1580C>A on transcript NM_001127178.3 (MANE Select); coding-DNA position 1580, C replaced by A.
Protein change: p.Thr527Asn; replaces threonine 527 with asparagine.
Molecular consequence: missense variant. On other transcripts: 3 prime UTR variant (2), non-coding transcript variant (10).
Genome position (GRCh38, 1-based): chr4:521,907, C>A. VCF-style: chr4-521907-C-A. GRCh37 (hg19) VCF-style: chr4-515696-C-A.
Other names: c.1313C>A, p.Thr438Asn (NM_001289051.2, NM_001289053.2, NM_001345986.2); c.1181C>A, p.Thr394Asn (NM_001289052.2); c.*142C>A (NM_001289055.2); c.*195C>A (NM_001289057.2); c.1289C>A, p.Thr430Asn (NM_001345987.2); c.551C>A, p.Thr184Asn (NM_001345988.2); c.1580C>A, p.Thr527Asn (NM_001345989.2); c.47C>A, p.Thr16Asn (NM_001345990.2, NM_001345991.2); and 2 more; short protein forms T161N, T16N, T184N, T394N, T430N, T438N, T519N, T527N.
Identifiers: ClinVar variation 3359829 (VCV003359829.1).
Genomic context (GRCh38, chr4:521,907, plus strand): 5'-CGGCAGGTGGGGTGATGGTGCTGGCCTCGGCGCTGCTGTGTGTGATTGTGTCTGTTCTGA[C>A]CAACGTGCTCGTGGGTGGAAACACCCCAAGGAAGGTACGTACGGCTGGTTCCTGGGAGTG-3'
Protein context (NP_001120650.1, residues 517-537): ALLCVIVSVL[Thr527Asn]NVLVGGNTPR